The following is an entry in ClinVar:

NM_001042413.2(GLIS3):c.187C>T (p.Pro63Ser)

Gene: GLIS3 (GLIS family zinc finger 3; minus strand). Cytogenetic location: 9p24.2.
Variant type: single nucleotide variant.
Coding change: c.187C>T on transcript NM_001042413.2 (MANE Select); coding-DNA position 187, C replaced by T.
Protein change: p.Pro63Ser; replaces proline 63 with serine.
Molecular consequence: missense variant.
Genome position (GRCh38, 1-based): chr9:4,286,239, G>A on the plus strand (C>T on the coding strand, the complement: GLIS3 is on the minus strand). VCF-style: chr9-4286239-G-A. GRCh37 (hg19) VCF-style: chr9-4286239-G-A.
Other names: c.187C>T (NM_001042413.1); short protein forms P63S.
Identifiers: ClinVar variation 1803893 (VCV001803893.13), dbSNP rs537067524, ClinGen allele CA4968662.

ClinVar aggregate classification (germline): Uncertain significance. Review status: criteria provided, multiple submitters, no conflicts (2 of 4 stars). 4 submissions from 4 submitters: Uncertain significance (4). Last evaluated 2025-07-01.

Conditions:
Neonatal diabetes mellitus with congenital hypothyroidism. Also called: NDH SYNDROME. Identifiers: Orphanet 79118, MedGen C1857775, MONDO:0012436, OMIM 610199.
Inborn genetic diseases. Identifiers: MedGen C0950123, MeSH D030342.

Allele frequency attached by ClinVar (database versions not stated): ExAC 0.00004; gnomAD exomes 0.00004; gnomAD 0.00011; TOPMed 0.00013; 1000 Genomes Project 0.00020; 1000 Genomes Project 30x 0.00031.
gnomAD v4.1: 71 of 1,614,216 alleles (0.0044%); highest among the groups gnomAD compares: African/African-American, 0.024%; no homozygotes.

Submissions (4):

CeGaT Center for Human Genetics Tuebingen
Classification: Uncertain significance. Last evaluated: 2025-07-01. Review status: criteria provided, single submitter. Criteria: CeGaT Center For Human Genetics Tuebingen Variant Classification Criteria Version 2. Collection method: clinical testing. Allele origin: germline. Affected: yes. Observed: 1 variant allele.
Comment: GLIS3: PM2, PM3:Supporting, BP4

Fulgent Genetics
Classification: Uncertain significance for Neonatal diabetes mellitus with congenital hypothyroidism. Last evaluated: 2023-12-28. Review status: criteria provided, single submitter. Criteria: ACMG Guidelines, 2015. Collection method: clinical testing. Allele origin: germline.

New York Genome Center
Classification: Uncertain significance for Neonatal diabetes mellitus with congenital hypothyroidism. Last evaluated: 2022-01-05. Review status: criteria provided, single submitter. Criteria: NYGC Assertion Criteria 2020. Collection method: clinical testing. Allele origin: germline. Observed: 1 variant allele.

Ambry Genetics
Classification: Uncertain significance for Inborn genetic diseases. Last evaluated: 2021-10-06. Review status: criteria provided, single submitter. Criteria: Ambry Variant Classification Scheme 2023. Collection method: clinical testing. Allele origin: germline.